The following is an entry in ClinVar:

NM_005633.4(SOS1):c.681A>C (p.Arg227Ser)

Gene: SOS1 (SOS Ras/Rac guanine nucleotide exchange factor 1; minus strand). Cytogenetic location: 2p22.1.
Variant type: single nucleotide variant.
Coding change: c.681A>C on transcript NM_005633.4 (MANE Select); coding-DNA position 681, A replaced by C.
Protein change: p.Arg227Ser; replaces arginine 227 with serine.
Molecular consequence: missense variant.
Genome position (GRCh38, 1-based): chr2:39,054,653, T>G on the plus strand (A>C on the coding strand, the complement: SOS1 is on the minus strand). VCF-style: chr2-39054653-T-G. GRCh37 (hg19) VCF-style: chr2-39281794-T-G.
Other names: c.660A>C, p.Arg220Ser (NM_001382394.1); c.681A>C, p.Arg227Ser (NM_001382395.1); short protein forms R220S, R227S.
Identifiers: ClinVar variation 2752105 (VCV002752105.3), dbSNP rs1010923719, ClinGen allele CA346372987.

ClinVar aggregate classification (germline): Uncertain significance (1 of 4 stars; one submission).

Conditions:
RASopathy. Also called: rasopathies; Noonan spectrum disorder. Identifiers: Orphanet 536391, MedGen C5555857, MONDO:0021060.

Submission:

Labcorp Genetics (formerly Invitae), Labcorp
Classification: Uncertain significance for RASopathy. Last evaluated: 2023-08-11. Review status: criteria provided, single submitter. Criteria: Invitae Variant Classification Sherloc (09022015). Collection method: clinical testing. Allele origin: germline.
Comment: This sequence change replaces arginine, which is basic and polar, with serine, which is neutral and polar, at codon 227 of the SOS1 protein (p.Arg227Ser). This variant is not present in population databases (gnomAD no frequency). This variant has not been reported in the literature in individuals affected with SOS1-related conditions. Advanced modeling of protein sequence and biophysical properties (such as structural, functional, and spatial information, amino acid conservation, physicochemical variation, residue mobility, and thermodynamic stability) performed at Invitae indicates that this missense variant is expected to disrupt SOS1 protein function. In summary, the available evidence is currently insufficient to determine the role of this variant in disease. Therefore, it has been classified as a Variant of Uncertain Significance.